The following is an entry in ClinVar:

ClinVar aggregate classification (germline): Uncertain significance. Review status: criteria provided, multiple submitters, no conflicts (2 of 4 stars). 2 submissions from 2 submitters: Uncertain significance (2). Last evaluated 2025-09-17.

Conditions:
Hereditary cancer-predisposing syndrome. Also called: Tumor predisposition; Hereditary neoplastic syndrome; Hereditary Cancer Syndrome; Neoplastic Syndromes, Hereditary. Identifiers: Orphanet 140162, MedGen C0027672, MeSH D009386, MONDO:0015356.

Allele frequency attached by ClinVar (database versions not stated): gnomAD exomes below 0.00001.
gnomAD v4.1: 1 of 1,608,170 alleles (0.000062%); highest among the groups gnomAD compares: Non-Finnish European, 0.000085%; no homozygotes.

Submissions (2):

Ambry Genetics
Classification: Uncertain significance for Hereditary cancer-predisposing syndrome. Last evaluated: 2025-09-17. Review status: criteria provided, single submitter. Criteria: Ambry Variant Classification Scheme 2023. Collection method: clinical testing. Allele origin: germline.
Comment: The p.R1125Q variant (also known as c.3374G>A), located in coding exon 27 of the POLE gene, results from a G to A substitution at nucleotide position 3374. The arginine at codon 1125 is replaced by glutamine, an amino acid with highly similar properties. This amino acid position is conserved. In addition, the in silico prediction for this alteration is inconclusive. Since supporting evidence is limited at this time, the clinical significance of this alteration remains unclear.

Labcorp Genetics (formerly Invitae), Labcorp
Classification: Uncertain significance. Last evaluated: 2025-03-30. Review status: criteria provided, single submitter. Criteria: Invitae Variant Classification Sherloc (09022015). Collection method: clinical testing. Allele origin: germline.
Comment: This sequence change replaces arginine, which is basic and polar, with glutamine, which is neutral and polar, at codon 1125 of the POLE protein (p.Arg1125Gln). This variant is not present in population databases (gnomAD no frequency). This variant has not been reported in the literature in individuals affected with POLE-related conditions. ClinVar contains an entry for this variant (Variation ID: 577627). Invitae Evidence Modeling of protein sequence and biophysical properties (such as structural, functional, and spatial information, amino acid conservation, physicochemical variation, residue mobility, and thermodynamic stability) indicates that this missense variant is expected to disrupt POLE protein function with a positive predictive value of 80%. In summary, the available evidence is currently insufficient to determine the role of this variant in disease. Therefore, it has been classified as a Variant of Uncertain Significance.

NM_006231.4(POLE):c.3374G>A (p.Arg1125Gln)

Gene: POLE (DNA polymerase epsilon, catalytic subunit; minus strand). Cytogenetic location: 12q24.33.
Variant type: single nucleotide variant.
Coding change: c.3374G>A on transcript NM_006231.4 (MANE Select); coding-DNA position 3374, G replaced by A.
Protein change: p.Arg1125Gln; replaces arginine 1125 with glutamine.
Molecular consequence: missense variant.
Genome position (GRCh38, 1-based): chr12:132,657,872, C>T on the plus strand (G>A on the coding strand, the complement: POLE is on the minus strand). VCF-style: chr12-132657872-C-T. GRCh37 (hg19) VCF-style: chr12-133234458-C-T.
Other names: short protein forms R1125Q.
Identifiers: ClinVar variation 577627 (VCV000577627.11), dbSNP rs1565953956, ClinGen allele CA387389580.